The following is an entry in ClinVar:

NM_001144967.3(NEDD4L):c.2215A>G (p.Met739Val)

Gene: NEDD4L (NEDD4 like E3 ubiquitin protein ligase; plus strand). Cytogenetic location: 18q21.31.
Variant type: single nucleotide variant.
Coding change: c.2215A>G on transcript NM_001144967.3 (MANE Select); coding-DNA position 2215, A replaced by G.
Protein change: p.Met739Val; replaces methionine 739 with valine.
Molecular consequence: missense variant.
Genome position (GRCh38, 1-based): chr18:58,370,426, A>G. VCF-style: chr18-58370426-A-G. GRCh37 (hg19) VCF-style: chr18-56037658-A-G.
Other names: c.1852A>G, p.Met618Val (NM_001144964.1, NM_001144965.2, NM_001144966.3); c.2191A>G, p.Met731Val (NM_001144968.2); c.2131A>G, p.Met711Val (NM_001144969.2); c.1792A>G, p.Met598Val (NM_001144970.3, NM_001144971.2); c.2023A>G, p.Met675Val (NM_001243960.2); c.2155A>G, p.Met719Val (NM_015277.6); short protein forms M719V, M731V, M598V, M618V, M711V, M739V, M675V.
Identifiers: ClinVar variation 1449041 (VCV001449041.8), dbSNP rs1172972866, ClinGen allele CA402551079.

ClinVar aggregate classification (germline): Uncertain significance (1 of 4 stars; one submission).

Allele frequency attached by ClinVar (database versions not stated): gnomAD exomes below 0.00001; TOPMed 0.00001.
gnomAD v4.1: 2 of 1,612,428 alleles (0.00012%); highest among the groups gnomAD compares: African/African-American, 0.0027%; no homozygotes.

Submission:

Labcorp Genetics (formerly Invitae), Labcorp
Classification: Uncertain significance. Last evaluated: 2024-09-08. Review status: criteria provided, single submitter. Criteria: Invitae Variant Classification Sherloc (09022015). Collection method: clinical testing. Allele origin: germline.
Comment: This sequence change replaces methionine, which is neutral and non-polar, with valine, which is neutral and non-polar, at codon 719 of the NEDD4L protein (p.Met719Val). This variant is not present in population databases (gnomAD no frequency). This variant has not been reported in the literature in individuals affected with NEDD4L-related conditions. ClinVar contains an entry for this variant (Variation ID: 1449041). Invitae Evidence Modeling of protein sequence and biophysical properties (such as structural, functional, and spatial information, amino acid conservation, physicochemical variation, residue mobility, and thermodynamic stability) has been performed for this missense variant. However, the output from this modeling did not meet the statistical confidence thresholds required to predict the impact of this variant on NEDD4L protein function. In summary, the available evidence is currently insufficient to determine the role of this variant in disease. Therefore, it has been classified as a Variant of Uncertain Significance.